The following is an entry in ClinVar:

NM_006431.3(CCT2):c.23C>A (p.Pro8His)

Gene: CCT2 (chaperonin containing TCP1 subunit 2; plus strand). Cytogenetic location: 12q15.
Variant type: single nucleotide variant.
Coding change: c.23C>A on transcript NM_006431.3 (MANE Select); coding-DNA position 23, C replaced by A.
Protein change: p.Pro8His; replaces proline 8 with histidine.
Molecular consequence: missense variant. On other transcripts: 5 prime UTR variant (1).
Genome position (GRCh38, 1-based): chr12:69,586,289, C>A. VCF-style: chr12-69586289-C-A. GRCh37 (hg19) VCF-style: chr12-69980069-C-A.
Other names: c.-119C>A (NM_001198842.2); short protein forms P8H.
Identifiers: ClinVar variation 1497349 (VCV001497349.8), dbSNP rs1252327781, ClinGen allele CA385722533.

ClinVar aggregate classification (germline): Uncertain significance (1 of 4 stars; one submission).

Allele frequency attached by ClinVar (database versions not stated): gnomAD exomes below 0.00001.
gnomAD v4.1: 1 of 1,613,600 alleles (0.000062%); highest among the groups gnomAD compares: Non-Finnish European, 0.000085%; no homozygotes.

Submission:

Labcorp Genetics (formerly Invitae), Labcorp
Classification: Uncertain significance. Last evaluated: 2020-11-06. Review status: criteria provided, single submitter. Criteria: Invitae Variant Classification Sherloc (09022015). Collection method: clinical testing. Allele origin: germline.
Comment: This variant has not been reported in the literature in individuals with CCT2-related conditions. This sequence change replaces proline with histidine at codon 8 of the CCT2 protein (p.Pro8His). The proline residue is highly conserved and there is a moderate physicochemical difference between proline and histidine. This variant is not present in population databases (ExAC no frequency). Algorithms developed to predict the effect of missense changes on protein structure and function are either unavailable or do not agree on the potential impact of this missense change (SIFT: "Deleterious"; PolyPhen-2: "Possibly Damaging"; Align-GVGD: "Class C0"). In summary, the available evidence is currently insufficient to determine the role of this variant in disease. Therefore, it has been classified as a Variant of Uncertain Significance.